The following is an entry in ClinVar:

NM_004995.4(MMP14):c.1012-10C>A

Gene: MMP14 (matrix metallopeptidase 14; plus strand). Cytogenetic location: 14q11.2.
Variant type: single nucleotide variant.
Coding change: c.1012-10C>A on transcript NM_004995.4 (MANE Select); 10 bases into the intron before coding-DNA position 1012, C replaced by A.
Molecular consequence: intron variant.
Genome position (GRCh38, 1-based): chr14:22,844,361, C>A. VCF-style: chr14-22844361-C-A. GRCh37 (hg19) VCF-style: chr14-23313570-C-A.
Identifiers: ClinVar variation 3634085 (VCV003634085.2).

ClinVar aggregate classification (germline): Uncertain significance (1 of 4 stars; one submission).

Submission:

Labcorp Genetics (formerly Invitae), Labcorp
Classification: Uncertain significance. Last evaluated: 2024-06-29. Review status: criteria provided, single submitter. Criteria: Invitae Variant Classification Sherloc (09022015). Collection method: clinical testing. Allele origin: germline.
Comment: This sequence change falls in intron 6 of the MMP14 gene. It does not directly change the encoded amino acid sequence of the MMP14 protein. This variant is not present in population databases (gnomAD no frequency). This variant has not been reported in the literature in individuals affected with MMP14-related conditions. Algorithms developed to predict the effect of sequence changes on RNA splicing suggest that this variant may disrupt the consensus splice site. In summary, the available evidence is currently insufficient to determine the role of this variant in disease. Therefore, it has been classified as a Variant of Uncertain Significance.